The following is an entry in ClinVar:

NM_020831.6(MRTFA):c.2909C>G (p.Pro970Arg)

Gene: MRTFA (myocardin related transcription factor A; minus strand). Cytogenetic location: 22q13.1.
Variant type: single nucleotide variant.
Coding change: c.2909C>G on transcript NM_020831.6 (MANE Select); coding-DNA position 2909, C replaced by G.
Protein change: p.Pro970Arg; replaces proline 970 with arginine.
Molecular consequence: missense variant. On other transcripts: 3 prime UTR variant (1).
Genome position (GRCh38, 1-based): chr22:40,411,577, G>C on the plus strand (C>G on the coding strand, the complement: MRTFA is on the minus strand). VCF-style: chr22-40411577-G-C. GRCh37 (hg19) VCF-style: chr22-40807581-G-C.
Other names: c.2759C>G, p.Pro920Arg (NM_001282661.3); c.*222C>G (NM_001282662.3); c.2714C>G, p.Pro905Arg (NM_001318139.2); c.2609C>G, p.Pro870Arg (NM_001282660.2); short protein forms P970R, P905R, P920R, P870R.
Identifiers: ClinVar variation 2854409 (VCV002854409.3), dbSNP rs2517786311, ClinGen allele CA411651849.

ClinVar aggregate classification (germline): Uncertain significance (1 of 4 stars; one submission).

Submission:

Labcorp Genetics (formerly Invitae), Labcorp
Classification: Uncertain significance. Last evaluated: 2023-04-09. Review status: criteria provided, single submitter. Criteria: Invitae Variant Classification Sherloc (09022015). Collection method: clinical testing. Allele origin: germline.
Comment: In summary, the available evidence is currently insufficient to determine the role of this variant in disease. Therefore, it has been classified as a Variant of Uncertain Significance. An algorithm developed to predict the effect of missense changes on protein structure and function (PolyPhen-2) suggests that this variant is likely to be tolerated. This variant has not been reported in the literature in individuals affected with MKL1-related conditions. This variant is not present in population databases (gnomAD no frequency). This sequence change replaces proline, which is neutral and non-polar, with arginine, which is basic and polar, at codon 870 of the MKL1 protein (p.Pro870Arg).